The following is an entry in ClinVar:

NM_001044385.3(TMEM237):c.110A>G (p.Lys37Arg)

Gene: TMEM237 (transmembrane protein 237; minus strand). Cytogenetic location: 2q33.1.
Variant type: single nucleotide variant.
Coding change: c.110A>G on transcript NM_001044385.3 (MANE Select); coding-DNA position 110, A replaced by G.
Protein change: p.Lys37Arg; replaces lysine 37 with arginine.
Molecular consequence: missense variant.
Genome position (GRCh38, 1-based): chr2:201,639,015, T>C on the plus strand (A>G on the coding strand, the complement: TMEM237 is on the minus strand). VCF-style: chr2-201639015-T-C. GRCh37 (hg19) VCF-style: chr2-202503738-T-C.
Other names: c.86A>G, p.Lys29Arg (NM_152388.4); short protein forms K29R, K37R.
Identifiers: ClinVar variation 2651823 (VCV002651823.24), dbSNP rs2469508947, ClinGen allele CA350316150.

ClinVar aggregate classification (germline): Uncertain significance (1 of 4 stars; one submission).

Allele frequency attached by ClinVar (database versions not stated): gnomAD exomes below 0.00001.
gnomAD v4.1: 1 of 1,584,120 alleles (0.000063%); highest among the groups gnomAD compares: Non-Finnish European, 0.000086%; no homozygotes.

Submission:

CeGaT Center for Human Genetics Tuebingen
Classification: Uncertain significance. Last evaluated: 2023-05-01. Review status: criteria provided, single submitter. Criteria: CeGaT Center For Human Genetics Tuebingen Variant Classification Criteria Version 2. Collection method: clinical testing. Allele origin: germline. Affected: yes. Observed: 1 variant allele.
Comment: TMEM237: PM2, BP1, BP4